The following is an entry in ClinVar:

NM_015215.4(CAMTA1):c.281T>A (p.Leu94Gln)

Gene: CAMTA1 (calmodulin binding transcription activator 1; plus strand). Cytogenetic location: 1p36.31.
Variant type: single nucleotide variant.
Coding change: c.281T>A on transcript NM_015215.4 (MANE Select); coding-DNA position 281, T replaced by A.
Protein change: p.Leu94Gln; replaces leucine 94 with glutamine.
Molecular consequence: missense variant.
Genome position (GRCh38, 1-based): chr1:7,091,350, T>A. VCF-style: chr1-7091350-T-A. GRCh37 (hg19) VCF-style: chr1-7151410-T-A.
Other names: c.191T>A, p.Leu64Gln (NM_001349608.2, NM_001349612.2); c.281T>A, p.Leu94Gln (NM_001349609.2, NM_001349610.2, NM_001410737.1 and 1 more transcripts); short protein forms L64Q, L94Q.
Identifiers: ClinVar variation 3344282 (VCV003344282.1).

ClinVar aggregate classification (germline): Uncertain significance (0 of 4 stars; one submission).

Conditions:
CAMTA1-related disorder. Also called: CAMTA1-related condition.

Submission:

PreventionGenetics, part of Exact Sciences
Classification: Uncertain significance for CAMTA1-related condition. Last evaluated: 2024-09-18. Review status: no assertion criteria provided. Collection method: clinical testing. Allele origin: germline.
Comment: The CAMTA1 c.281T>A variant is predicted to result in the amino acid substitution p.Leu94Gln. To our knowledge, this variant has not been reported in the literature or in a large population database, indicating this variant is rare. At this time, the clinical significance of this variant is uncertain due to the absence of conclusive functional and genetic evidence.